The following is an entry in ClinVar:

ClinVar aggregate classification (germline): Uncertain significance. Review status: criteria provided, multiple submitters, no conflicts (2 of 4 stars). 2 submissions from 2 submitters: Uncertain significance (2). Last evaluated 2023-07-08.

Conditions:
Hereditary cancer-predisposing syndrome. Also called: Tumor predisposition; Hereditary neoplastic syndrome; Hereditary Cancer Syndrome; Neoplastic Syndromes, Hereditary. Identifiers: Orphanet 140162, MedGen C0027672, MeSH D009386, MONDO:0015356.

gnomAD v4.1: 2 of 1,596,424 alleles (0.00013%); highest among the groups gnomAD compares: South Asian, 0.0011%; no homozygotes.

Submissions (2):

Ambry Genetics
Classification: Uncertain significance for Hereditary cancer-predisposing syndrome. Last evaluated: 2023-07-08. Review status: criteria provided, single submitter. Criteria: Ambry Variant Classification Scheme 2023. Collection method: clinical testing. Allele origin: germline.
Comment: The p.A1674S variant (also known as c.5020G>T), located in coding exon 38 of the POLE gene, results from a G to T substitution at nucleotide position 5020. The alanine at codon 1674 is replaced by serine, an amino acid with similar properties. This amino acid position is conserved. In addition, this alteration is predicted to be tolerated by in silico analysis. Since supporting evidence is limited at this time, the clinical significance of this alteration remains unclear.

Labcorp Genetics (formerly Invitae), Labcorp
Classification: Uncertain significance. Last evaluated: 2022-11-25. Review status: criteria provided, single submitter. Criteria: Invitae Variant Classification Sherloc (09022015). Collection method: clinical testing. Allele origin: germline.
Comment: Advanced modeling of protein sequence and biophysical properties (such as structural, functional, and spatial information, amino acid conservation, physicochemical variation, residue mobility, and thermodynamic stability) performed at Invitae indicates that this missense variant is not expected to disrupt POLE protein function. Algorithms developed to predict the effect of sequence changes on RNA splicing suggest that this variant may create or strengthen a splice site. In summary, the available evidence is currently insufficient to determine the role of this variant in disease. Therefore, it has been classified as a Variant of Uncertain Significance. ClinVar contains an entry for this variant (Variation ID: 1051976). This variant has not been reported in the literature in individuals affected with POLE-related conditions. This variant is not present in population databases (gnomAD no frequency). This sequence change replaces alanine, which is neutral and non-polar, with serine, which is neutral and polar, at codon 1674 of the POLE protein (p.Ala1674Ser).

NM_006231.4(POLE):c.5020G>T (p.Ala1674Ser)

Gene: POLE (DNA polymerase epsilon, catalytic subunit; minus strand). Cytogenetic location: 12q24.33.
Variant type: single nucleotide variant.
Coding change: c.5020G>T on transcript NM_006231.4 (MANE Select); coding-DNA position 5020, G replaced by T.
Protein change: p.Ala1674Ser; replaces alanine 1674 with serine.
Molecular consequence: missense variant.
Genome position (GRCh38, 1-based): chr12:132,642,330, C>A on the plus strand (G>T on the coding strand, the complement: POLE is on the minus strand). VCF-style: chr12-132642330-C-A. GRCh37 (hg19) VCF-style: chr12-133218916-C-A.
Other names: c.5020G>T (NM_006231.2); short protein forms A1674S.
Identifiers: ClinVar variation 1051976 (VCV001051976.10), dbSNP rs774729856, ClinGen allele CA387377338.